The following is an entry in ClinVar:

ClinVar aggregate classification (germline): Uncertain significance. Review status: criteria provided, multiple submitters, no conflicts (2 of 4 stars). 3 submissions from 3 submitters: Uncertain significance (3). Last evaluated 2023-03-15.

Conditions:
Hereditary cancer-predisposing syndrome. Also called: Tumor predisposition; Hereditary Cancer Syndrome; Hereditary neoplastic syndrome; Neoplastic Syndromes, Hereditary. Identifiers: Orphanet 140162, MedGen C0027672, MeSH D009386, MONDO:0015356.
Hereditary nonpolyposis colorectal neoplasms. Identifiers: MedGen C0009405, MeSH D003123.

Submissions (3):

Labcorp Genetics (formerly Invitae), Labcorp
Classification: Uncertain significance for Hereditary nonpolyposis colorectal neoplasms. Last evaluated: 2023-03-15. Review status: criteria provided, single submitter. Criteria: Invitae Variant Classification Sherloc (09022015). Collection method: clinical testing. Allele origin: germline.
Comment: Advanced modeling of protein sequence and biophysical properties (such as structural, functional, and spatial information, amino acid conservation, physicochemical variation, residue mobility, and thermodynamic stability) performed at Invitae indicates that this missense variant is expected to disrupt PMS2 protein function. In summary, the available evidence is currently insufficient to determine the role of this variant in disease. Therefore, it has been classified as a Variant of Uncertain Significance. ClinVar contains an entry for this variant (Variation ID: 91352). This sequence change replaces glutamic acid, which is acidic and polar, with lysine, which is basic and polar, at codon 109 of the PMS2 protein (p.Glu109Lys). This variant is not present in population databases (gnomAD no frequency). This variant has not been reported in the literature in individuals affected with PMS2-related conditions.

Ambry Genetics
Classification: Uncertain significance for Hereditary cancer-predisposing syndrome. Last evaluated: 2021-12-28. Review status: criteria provided, single submitter. Criteria: Ambry Variant Classification Scheme 2023. Collection method: clinical testing. Allele origin: germline.

Color Diagnostics, LLC DBA Color Health
Classification: Uncertain significance for Hereditary cancer-predisposing syndrome. Last evaluated: 2018-09-20. Review status: criteria provided, single submitter. Criteria: ACMG Guidelines, 2015. Collection method: clinical testing. Allele origin: germline.

NM_000535.7(PMS2):c.325G>A (p.Glu109Lys)

Gene: PMS2 (PMS1 homolog 2, mismatch repair system component; minus strand). Cytogenetic location: 7p22.1.
Variant type: single nucleotide variant.
Coding change: c.325G>A on transcript NM_000535.7 (MANE Select); coding-DNA position 325, G replaced by A.
Protein change: p.Glu109Lys; replaces glutamic acid 109 with lysine.
Molecular consequence: missense variant. On other transcripts: 5 prime UTR variant (9), non-coding transcript variant (1), intron variant (2).
Genome position (GRCh38, 1-based): chr7:6,003,718, C>T on the plus strand (G>A on the coding strand, the complement: PMS2 is on the minus strand). VCF-style: chr7-6003718-C-T. GRCh37 (hg19) VCF-style: chr7-6043349-C-T.
Other names: c.-81G>A (NM_001322003.2, NM_001322004.2, NM_001322005.2 and 3 more transcripts); c.325G>A, p.Glu109Lys (NM_001322006.2, NM_001322014.2); c.-560G>A (NM_001322011.2, NM_001322012.2); c.-160G>A (NM_001322015.2); c.35+254G>A (NM_001322008.2, NM_001322007.2); short protein forms E109K.
Identifiers: ClinVar variation 91352 (VCV000091352.6), dbSNP rs63749862, ClinGen allele CA011871.
Genomic context (GRCh38, chr7:6,003,718, plus strand): 5'-GGTCAAGTGAGTGGATAAAAATATTGTATCACCTCAGTGCACAAAGTGAGCTCAGAGCTT[C>T]CCCCCGAAAGCCAAAAGTTTCAACCTGAGTTAGGTCGGCAAACTCTTGAATCTTAGATGT-3'
Protein context (NP_000526.2, residues 99-119): TQVETFGFRG[Glu109Lys]ALSSLCALSD